The following is an entry in ClinVar:

NM_032520.5(GNPTG):c.234-1G>C

Gene: GNPTG (N-acetylglucosamine-1-phosphate transferase subunit gamma; plus strand). Cytogenetic location: 16p13.3.
Variant type: single nucleotide variant.
Coding change: c.234-1G>C on transcript NM_032520.5 (MANE Select); the canonical splice acceptor site of the intron before coding-DNA position 234, G replaced by C.
Molecular consequence: splice acceptor variant.
Genome position (GRCh38, 1-based): chr16:1,361,871, G>C. VCF-style: chr16-1361871-G-C. GRCh37 (hg19) VCF-style: chr16-1411872-G-C.
Identifiers: ClinVar variation 1455613 (VCV001455613.8), dbSNP rs112850896, ClinGen allele CA276656521.

ClinVar aggregate classification (germline): Pathogenic. Review status: criteria provided, multiple submitters, no conflicts (2 of 4 stars). 2 submissions from 2 submitters: Pathogenic (2). Last evaluated 2026-05-07.

Conditions:
GNPTG-mucolipidosis. Also called: ML III GAMMA; ML IIIC; MUCOLIPIDOSIS III, COMPLEMENTATION GROUP C; MUCOLIPIDOSIS III, IRANIAN VARIANT FORM; MUCOLIPIDOSIS III, VARIANT FORM; Mucolipidosis type III gamma. Identifiers: Orphanet 423470, Orphanet 577, MedGen C1854896, MONDO:0009652, OMIM 252605.

Submissions (8):

Women's Health and Genetics/Laboratory Corporation of America, LabCorp
Classification: Pathogenic for GNPTG-mucolipidosis. Last evaluated: 2026-05-07. Review status: criteria provided, single submitter. Criteria: LabCorp Variant Classification Summary - May 2015. Collection method: clinical testing. Allele origin: germline.
Comment: Variant summary: GNPTG c.234-1G>C is located in a canonical splice-site and is predicted to affect mRNA splicing resulting in a significantly altered protein due to either exon skipping, shortening, or inclusion of intronic material. Variants that disrupt the consensus splice site are a relatively common cause of aberrant splicing and loss of GNPTG function. Several computational tools predict a significant impact on normal splicing: Four predict the variant abolishes a 3' acceptor site. At least one publication reports experimental evidence that this variant affects mRNA splicing (Gao_2011). The variant was absent in 251200 control chromosomes. c.234-1G>C has been observed in three compound heterozygous siblings affected with GNPTG-mucolipidosis and the variant segregated within the family (Gao_2011). These data indicate that the variant is likely associated with disease. The following publication has been ascertained in the context of this evaluation (PMID: 20951619). ClinVar contains an entry for this variant (Variation ID: 1455613). Based on the evidence outlined above, the variant was classified as pathogenic.

Labcorp Genetics (formerly Invitae), Labcorp
Classification: Pathogenic. Last evaluated: 2023-06-07. Review status: criteria provided, single submitter. Criteria: Invitae Variant Classification Sherloc (09022015). Collection method: clinical testing. Allele origin: germline.
Comment: For these reasons, this variant has been classified as Pathogenic. Studies have shown that disruption of this splice site is associated with altered splicing resulting in multiple RNA products (PMID: 20951619). ClinVar contains an entry for this variant (Variation ID: 1455613). This variant is also known as IVS4-1G>C. Disruption of this splice site has been observed in individual(s) with mucolipidosis III gamma (PMID: 20951619). In at least one individual the data is consistent with being in trans (on the opposite chromosome) from a pathogenic variant. It has also been observed to segregate with disease in related individuals. This variant is not present in population databases (gnomAD no frequency). This sequence change affects an acceptor splice site in intron 4 of the GNPTG gene. It is expected to disrupt RNA splicing. Variants that disrupt the donor or acceptor splice site typically lead to a loss of protein function (PMID: 16199547), and loss-of-function variants in GNPTG are known to be pathogenic (PMID: 19370764, 20301784).

Dr. Peter K. Rogan Lab, Western University
No classification provided (evidence only). Condition: Melanoma. Review status: no classification provided. Collection method: in vitro. Allele origin: not applicable. Functional consequence: retained intron. Not counted in ClinVar's aggregate classification.

Dr. Peter K. Rogan Lab, Western University
No classification provided (evidence only). Condition: Nonpapillary renal cell carcinoma. Review status: no classification provided. Collection method: in vitro. Allele origin: not applicable. Functional consequence: retained intron. Not counted in ClinVar's aggregate classification.

Dr. Peter K. Rogan Lab, Western University
No classification provided (evidence only). Condition: Nonpapillary renal cell carcinoma. Review status: no classification provided. Collection method: in vitro. Allele origin: not applicable. Functional consequence: retained intron. Not counted in ClinVar's aggregate classification.

Dr. Peter K. Rogan Lab, Western University
No classification provided (evidence only). Condition: Nonpapillary renal cell carcinoma. Review status: no classification provided. Collection method: in vitro. Allele origin: not applicable. Functional consequence: retained intron. Not counted in ClinVar's aggregate classification.

Dr. Peter K. Rogan Lab, Western University
No classification provided (evidence only). Condition: Nonpapillary renal cell carcinoma. Review status: no classification provided. Collection method: in vitro. Allele origin: not applicable. Functional consequence: retained intron. Not counted in ClinVar's aggregate classification.

Dr. Peter K. Rogan Lab, Western University
No classification provided (evidence only). Condition: Nonpapillary renal cell carcinoma. Review status: no classification provided. Collection method: in vitro. Allele origin: not applicable. Functional consequence: retained intron. Not counted in ClinVar's aggregate classification.

Literature cited by the submitters: PubMed 20951619 (cited by Women's Health and Genetics/Laboratory Corporation of America, LabCorp and Labcorp Genetics (formerly Invitae), Labcorp); PubMed 16199547 (cited by Labcorp Genetics (formerly Invitae), Labcorp); PubMed 19370764 (cited by Labcorp Genetics (formerly Invitae), Labcorp); PubMed 20301784 (cited by Labcorp Genetics (formerly Invitae), Labcorp).